The following is an entry in ClinVar:

ClinVar aggregate classification (germline): Benign. Review status: criteria provided, multiple submitters, no conflicts (2 of 4 stars). 2 submissions from 2 submitters: Benign (2). Last evaluated 2018-01-13.

Conditions:
Epidermolysis bullosa dystrophica. Also called: Dystrophic epidermolysis bullosa, Hallopeau-Siemens type (formerly); Dystrophic epidermolysis bullosa. Identifiers: Orphanet 303, MedGen C0079294, MONDO:0006543.

Allele frequency attached by ClinVar (database versions not stated): 1000 Genomes Project 30x 0.00765; 1000 Genomes Project 0.00819; TOPMed 0.00822; ESP Exome Variant Server 0.01117; gnomAD 0.01436 and 0.01462.
gnomAD v4.1: 24,970 of 1,574,560 alleles (1.6%); highest among the groups gnomAD compares: Non-Finnish European, 1.5%; 337 homozygotes.

Submissions (2):

Illumina Laboratory Services, Illumina
Classification: Benign for Dystrophic epidermolysis bullosa. Last evaluated: 2018-01-13. Review status: criteria provided, single submitter. Criteria: ICSL Variant Classification Criteria 13 December 2019. Collection method: clinical testing. Allele origin: germline.
Comment: This variant was observed in the ICSL laboratory as part of a predisposition screen in an ostensibly healthy population. It had not been previously curated by ICSL or reported in the Human Gene Mutation Database (HGMD: prior to June 1st, 2018), and was therefore a candidate for classification through an automated scoring system. Utilizing variant allele frequency, disease prevalence and penetrance estimates, and inheritance mode, an automated score was calculated to assess if this variant is too frequent to cause the disease. Based on the score and internal cut-off values, a variant classified as benign is not then subjected to further curation. The score for this variant resulted in a classification of benign for this disease.

Breakthrough Genomics
Classification: Benign. Review status: criteria provided, single submitter. Criteria: ACMG Guidelines, 2015. Collection method: not provided. Allele origin: germline. Inheritance: Autosomal recessive inheritance. Affected: yes.

NM_000094.4(COL7A1):c.*65T>C

Gene: COL7A1 (collagen type VII alpha 1 chain; minus strand). Cytogenetic location: 3p21.31.
Variant type: single nucleotide variant.
Coding change: c.*65T>C on transcript NM_000094.4 (MANE Select); 65 bases downstream of the stop codon, T replaced by C.
Molecular consequence: 3 prime UTR variant.
Genome position (GRCh38, 1-based): chr3:48,564,341, A>G on the plus strand (T>C on the coding strand, the complement: COL7A1 is on the minus strand). VCF-style: chr3-48564341-A-G. GRCh37 (hg19) VCF-style: chr3-48601774-A-G.
Identifiers: ClinVar variation 345788 (VCV000345788.6), dbSNP rs74780677, ClinGen allele CA10616845.